The following is an entry in ClinVar:

NM_002693.3(POLG):c.3116A>G (p.Lys1039Arg)

Gene: POLG (DNA polymerase gamma, catalytic subunit; minus strand). Cytogenetic location: 15q26.1.
Variant type: single nucleotide variant.
Coding change: c.3116A>G on transcript NM_002693.3 (MANE Select); coding-DNA position 3116, A replaced by G.
Protein change: p.Lys1039Arg; replaces lysine 1039 with arginine.
Molecular consequence: missense variant.
Genome position (GRCh38, 1-based): chr15:89,319,088, T>C on the plus strand (A>G on the coding strand, the complement: POLG is on the minus strand). VCF-style: chr15-89319088-T-C. GRCh37 (hg19) VCF-style: chr15-89862319-T-C.
Other names: c.3116A>G, p.Lys1039Arg (NM_001126131.2); short protein forms K1039R.
Identifiers: ClinVar variation 1305030 (VCV001305030.2), dbSNP rs2055354815, ClinGen allele CA10602258.

ClinVar aggregate classification (germline): Uncertain significance (1 of 4 stars; one submission).

Allele frequency attached by ClinVar (database versions not stated): gnomAD 0.00001.
gnomAD v4.1: 3 of 1,614,048 alleles (0.00019%); highest among the groups gnomAD compares: South Asian, 0.0033%; no homozygotes.

Submission:

GeneDx
Classification: Uncertain significance. Last evaluated: 2019-04-08. Review status: criteria provided, single submitter. Criteria: GeneDx Variant Classification Process June 2021. Collection method: clinical testing. Allele origin: germline. Affected: yes.
Comment: Not observed in large population cohorts (Lek et al., 2016); In silico analysis, which includes protein predictors and evolutionary conservation, supports that this variant does not alter protein structure/function; Has not been previously published as pathogenic or benign to our knowledge